The following is an entry in ClinVar:

ClinVar aggregate classification (germline): Likely pathogenic. Review status: criteria provided, single submitter (1 of 4 stars). 2 submissions from 2 submitters: Likely pathogenic (1). 1 of the submissions does not count toward it. Last evaluated 2023-05-04.

Conditions:
Hypogonadotropic hypogonadism 2 with anosmia. Identifiers: MedGen C4016104.
Hypogonadotropic hypogonadism 2 with or without anosmia (HH2). Also called: HYPOGONADOTROPIC HYPOGONADISM 2 WITH OR WITHOUT ANOSMIA, SUSCEPTIBILITY TO; HYPOGONADOTROPIC HYPOGONADISM 2 WITHOUT ANOSMIA, SUSCEPTIBILITY TO; HYPOGONADOTROPIC HYPOGONADISM 2 WITHOUT ANOSMIA; FGFR1-Related GnRH Deficiency (Kallmann Syndrome 2). Identifiers: Orphanet 478, MedGen C1563720, MONDO:0007844, OMIM 147950. Disease mechanism: loss of function.

Submissions (2):

Reproductive Endocrine Unit, Massachusetts General Hospital
Classification: Likely pathogenic for Hypogonadotropic hypogonadism 2 with or without anosmia. Last evaluated: 2023-05-04. Review status: criteria provided, single submitter. Criteria: ACMG Guidelines, 2015. Collection method: research. Allele origin: inherited. Affected: yes. Observed: 1 variant allele.
Comment: The variant has been classified as LP2 based on the variant meeting the following ACMG Criteria: PS3,PM2,PP3,PP2.

OMIM
Classification: risk factor for HYPOGONADOTROPIC HYPOGONADISM 2 WITH ANOSMIA, SUSCEPTIBILITY TO. Last evaluated: 2007-02-01. Review status: no assertion criteria provided. Collection method: literature only. Allele origin: germline. Not counted in ClinVar's aggregate classification.

Literature cited by the submitters: PubMed 17235395 (cited by OMIM).

NM_023110.3(FGFR1):c.1025T>C (p.Leu342Ser)

Gene: FGFR1 (fibroblast growth factor receptor 1; minus strand). Cytogenetic location: 8p11.23.
Variant type: single nucleotide variant.
Coding change: c.1025T>C on transcript NM_023110.3 (MANE Select); coding-DNA position 1025, T replaced by C.
Protein change: p.Leu342Ser; replaces leucine 342 with serine.
Molecular consequence: missense variant.
Genome position (GRCh38, 1-based): chr8:38,421,853, A>G on the plus strand (T>C on the coding strand, the complement: FGFR1 is on the minus strand). VCF-style: chr8-38421853-A-G. GRCh37 (hg19) VCF-style: chr8-38279371-A-G.
Other names: c.1025T>C, p.Leu342Ser (NM_001174063.2); c.1001T>C, p.Leu334Ser (NM_001174064.2); c.1019T>C, p.Leu340Ser (NM_001174065.2, NM_001354367.2, NM_001354369.2 and 1 more transcripts); c.758T>C, p.Leu253Ser (NM_001174066.2, NM_023105.3); c.1118T>C, p.Leu373Ser (NM_001174067.2); c.752T>C, p.Leu251Ser (NM_001354368.2, NM_001354370.2, NM_023106.3); c.1025T>C (NM_023110.2); short protein forms L342S, L251S, L334S, L373S, L340S, L253S.
Identifiers: ClinVar variation 16295 (VCV000016295.2), dbSNP rs121909638, ClinGen allele CA130218.